The following is an entry in ClinVar:

ClinVar aggregate classification (germline): Conflicting classifications of pathogenicity. Review status: criteria provided, conflicting classifications (1 of 4 stars). 4 submissions from 4 submitters: Uncertain significance (2); Likely benign (2). Last evaluated 2026-07-30.

Conditions:
Breast-ovarian cancer, familial, susceptibility to, 1 (BROVCA1). Also called: OVARIAN CANCER, SUSCEPTIBILITY TO; BRCA1 Hereditary Breast and Ovarian Cancer. Identifiers: Orphanet 145, MedGen C2676676, MONDO:0011450, OMIM 604370. Disease mechanism: loss of function.
Hereditary cancer-predisposing syndrome. Also called: Hereditary Cancer Syndrome; Hereditary neoplastic syndrome; Neoplastic Syndromes, Hereditary; Tumor predisposition. Identifiers: Orphanet 140162, MedGen C0027672, MeSH D009386, MONDO:0015356.

Allele frequency attached by ClinVar (database versions not stated): gnomAD 0.00003; gnomAD exomes below 0.00001.
gnomAD v4.1: 2 of 1,613,998 alleles (0.00012%); highest among the groups gnomAD compares: Non-Finnish European, 0.00017%; no homozygotes.

Submissions (4):

Myriad Genetics, Inc.
Classification: Likely benign for Breast-ovarian cancer, familial, susceptibility to, 1. Last evaluated: 2026-07-30. Review status: criteria provided, single submitter. Criteria: Myriad Autosomal Dominant, Autosomal Recessive and X-Linked Classification Criteria (2023). Collection method: clinical testing. Allele origin: unknown.
Comment: This variant is considered likely benign. This variant is strongly associated with less severe personal and family histories of cancer, typical for individuals without pathogenic variants in this gene [PMID: 25085752].

University of Washington Department of Laboratory Medicine, University of Washington
Classification: Likely benign for Hereditary cancer-predisposing syndrome. Last evaluated: 2023-03-23. Review status: criteria provided, single submitter. Criteria: Dines et al. (Genet Med. 2020). Collection method: curation. Allele origin: germline.
Comment: Missense variant in a coldspot region where missense variants are very unlikely to be pathogenic (PMID:31911673).

BRCA1 coldspot (exon 11 using historical exon numbering). Reclassification based on statistical prior probability

Ambry Genetics
Classification: Uncertain significance for Hereditary cancer-predisposing syndrome. Last evaluated: 2021-03-12. Review status: criteria provided, single submitter. Criteria: Ambry Variant Classification Scheme 2023. Collection method: clinical testing. Allele origin: germline.
Comment: The p.T703I variant (also known as c.2108C>T), located in coding exon 9 of the BRCA1 gene, results from a C to T substitution at nucleotide position 2108. The threonine at codon 703 is replaced by isoleucine, an amino acid with similar properties. This amino acid position is not well conserved in available vertebrate species. In addition, the in silico prediction for this alteration is inconclusive. Since supporting evidence is limited at this time, the clinical significance of this alteration remains unclear.

Color Diagnostics, LLC DBA Color Health
Classification: Uncertain significance for Hereditary cancer-predisposing syndrome. Last evaluated: 2019-06-19. Review status: criteria provided, single submitter. Criteria: ACMG Guidelines, 2015. Collection method: clinical testing. Allele origin: germline.

Literature cited by the submitters: PubMed 25085752 (cited by Myriad Genetics, Inc.).

NM_007294.4(BRCA1):c.2108C>T (p.Thr703Ile)

Gene: BRCA1 (BRCA1 DNA repair associated; minus strand). Cytogenetic location: 17q21.31.
Variant type: single nucleotide variant.
Coding change: c.2108C>T on transcript NM_007294.4 (MANE Select); coding-DNA position 2108, C replaced by T.
Protein change: p.Thr703Ile; replaces threonine 703 with isoleucine.
Molecular consequence: missense variant. On other transcripts: intron variant (137).
Genome position (GRCh38, 1-based): chr17:43,093,423, G>A on the plus strand (C>T on the coding strand, the complement: BRCA1 is on the minus strand). VCF-style: chr17-43093423-G-A. GRCh37 (hg19) VCF-style: chr17-41245440-G-A.
Other names: c.1895C>T, p.Thr632Ile (NM_001407571.1, NM_001407899.1, NM_001407915.1 and 9 more transcripts); c.2108C>T, p.Thr703Ile (NM_001407581.1, NM_001407582.1, NM_001407583.1 and 30 more transcripts); c.2105C>T, p.Thr702Ile (NM_001407587.1, NM_001407590.1, NM_001407591.1 and 22 more transcripts); c.1985C>T, p.Thr662Ile (NM_001407648.1, NM_001407669.1, NM_001407863.1 and 19 more transcripts); c.1982C>T, p.Thr661Ile (NM_001407649.1, NM_001407670.1, NM_001407671.1 and 11 more transcripts); c.2030C>T, p.Thr677Ile (NM_001407653.1, NM_001407654.1, NM_001407655.1 and 4 more transcripts); c.1967C>T, p.Thr656Ile (NM_001407737.1, NM_001407738.1, NM_001407739.1 and 29 more transcripts); c.1964C>T, p.Thr655Ile (NM_001407740.1, NM_001407741.1, NM_001407742.1 and 20 more transcripts); and 41 more; short protein forms T703I, T656I, T407I, T635I, T655I, T661I, T676I, T591I.
Identifiers: ClinVar variation 441434 (VCV000441434.12), dbSNP rs1302055573, ClinGen allele CA10597785.